The following is an entry in ClinVar:

NM_022552.5(DNMT3A):c.1299del (p.Glu434fs)

Gene: DNMT3A (DNA methyltransferase 3 alpha; minus strand). Cytogenetic location: 2p23.3.
Variant type: Deletion.
Coding change: c.1299del on transcript NM_022552.5 (MANE Select); coding-DNA position 1299, one base deleted (A; older notation c.1299delA).
Protein change: p.Glu434fs; shifts the reading frame from glutamic acid 434.
Molecular consequence: frameshift variant. On other transcripts: non-coding transcript variant (1).
Genome position (GRCh38, 1-based): chr2:25,246,290, T deleted on the plus strand (A on the coding strand, the reverse complement: DNMT3A is on the minus strand); the first of 3 consecutive T bases (chr2:25,246,290-25,246,292); deleting any one gives the same sequence. VCF-style (leftmost placement, unchanged base first): chr2-25246289-CT-C. GRCh37 (hg19) VCF-style: chr2-25469158-CT-C.
Other names: c.843del, p.Glu282fs (NM_001320893.1); c.630del, p.Glu211fs (NM_001375819.1); c.732del, p.Glu245fs (NM_153759.3); c.1299del, p.Glu434fs (NM_175629.2); short protein forms E211fs, E245fs, E282fs, E434fs.
Identifiers: ClinVar variation 1098397 (VCV001098397.2), dbSNP rs2149300813, ClinGen allele CA2499215821.

ClinVar aggregate classification (germline): Pathogenic (1 of 4 stars; one submission).

Submission:

Genetics Laboratory, UDIAT-Centre Diagnòstic, Hospital Universitari Parc Tauli
Classification: Pathogenic. Last evaluated: 2021-04-26. Review status: criteria provided, single submitter. Criteria: Parc Tauli Hospital Assertion Criteria 2021. Collection method: clinical testing. Allele origin: de novo. Inheritance: Autosomal dominant inheritance. Affected: yes. Observed: 1 heterozygote.
Comment: PVS1_very strong;PM2_supporting;PM6_moderate;PP3_supporting